The following is an entry in ClinVar:

NM_014797.3(ZBTB24):c.1444A>G (p.Ile482Val)

Gene: ZBTB24 (zinc finger and BTB domain containing 24; minus strand). Cytogenetic location: 6q21.
Variant type: single nucleotide variant.
Coding change: c.1444A>G on transcript NM_014797.3 (MANE Select); coding-DNA position 1444, A replaced by G.
Protein change: p.Ile482Val; replaces isoleucine 482 with valine.
Molecular consequence: missense variant.
Genome position (GRCh38, 1-based): chr6:109,466,501, T>C on the plus strand (A>G on the coding strand, the complement: ZBTB24 is on the minus strand). VCF-style: chr6-109466501-T-C. GRCh37 (hg19) VCF-style: chr6-109787704-T-C.
Other names: short protein forms I482V.
Identifiers: ClinVar variation 2194712 (VCV002194712.3), dbSNP rs1562299291, ClinGen allele CA365196769.
Genomic context (GRCh38, chr6:109,466,501, plus strand): 5'-AGCGAGCAAACTGTAAGTTACACTCAGGGCAGGAGAAAGGCTTCTTGCCAGTGTGTAGAA[T>C]GCAGTGTCTCCTTTTGGCACTGGAGTCAGAGAAGGATTTGCCACAAATGCCACAGGAGTA-3'
Protein context (NP_055612.2, residues 472-492): SDSSAKRRHC[Ile482Val]LHTGKKPFSC

ClinVar aggregate classification (germline): Uncertain significance. Review status: criteria provided, multiple submitters, no conflicts (2 of 4 stars). 2 submissions from 2 submitters: Uncertain significance (2). Last evaluated 2025-03-06.

Conditions:
Inborn genetic diseases. Identifiers: MedGen C0950123, MeSH D030342.
Immunodeficiency-centromeric instability-facial anomalies syndrome 2 (ICF2). Identifiers: Orphanet 2268, MedGen C3279748, MONDO:0013553, OMIM 614069.

Allele frequency attached by ClinVar (database versions not stated): gnomAD exomes below 0.00001; TOPMed below 0.00001.
gnomAD v4.1: 7 of 1,614,152 alleles (0.00043%); highest among the groups gnomAD compares: Admixed American, 0.0017%; no homozygotes.

Submissions (2):

Ambry Genetics
Classification: Uncertain significance for Inborn genetic diseases. Last evaluated: 2025-03-06. Review status: criteria provided, single submitter. Criteria: Ambry Variant Classification Scheme 2023. Collection method: clinical testing. Allele origin: germline.

Labcorp Genetics (formerly Invitae), Labcorp
Classification: Uncertain significance for Immunodeficiency-centromeric instability-facial anomalies syndrome 2. Last evaluated: 2023-12-11. Review status: criteria provided, single submitter. Criteria: Invitae Variant Classification Sherloc (09022015). Collection method: clinical testing. Allele origin: germline.
Comment: This sequence change replaces isoleucine, which is neutral and non-polar, with valine, which is neutral and non-polar, at codon 482 of the ZBTB24 protein (p.Ile482Val). This variant is not present in population databases (gnomAD no frequency). This variant has not been reported in the literature in individuals affected with ZBTB24-related conditions. ClinVar contains an entry for this variant (Variation ID: 2194712). An algorithm developed to predict the effect of missense changes on protein structure and function (PolyPhen-2) suggests that this variant¬†is likely to be tolerated. In summary, the available evidence is currently insufficient to determine the role of this variant in disease. Therefore, it has been classified as a Variant of Uncertain Significance.